The following is an entry in ClinVar:

NM_001868.4(CPA1):c.295G>A (p.Glu99Lys)

Gene: CPA1 (carboxypeptidase A1; plus strand). Cytogenetic location: 7q32.2.
Variant type: single nucleotide variant.
Coding change: c.295G>A on transcript NM_001868.4 (MANE Select); coding-DNA position 295, G replaced by A.
Protein change: p.Glu99Lys; replaces glutamic acid 99 with lysine.
Molecular consequence: missense variant.
Genome position (GRCh38, 1-based): chr7:130,381,777, G>A. VCF-style: chr7-130381777-G-A. GRCh37 (hg19) VCF-style: chr7-130021618-G-A.
Other names: short protein forms E99K.
Identifiers: ClinVar variation 1432006 (VCV001432006.9), dbSNP rs142112054, ClinGen allele CA4484748.
Genomic context (GRCh38, chr7:130,381,777, plus strand): 5'-CTGGAGTCCCACGGCATCAGCTATGAGACCATGATCGAGGACGTGCAGTCGCTGCTGGAC[G>A]AGGAGCAGGAGCAGATGTTCGCCTTCCGGTCCCGGGCGCGCTCCACCGACACTTTTAACT-3'
Protein context (NP_001859.1, residues 89-109): MIEDVQSLLD[Glu99Lys]EQEQMFAFRS

ClinVar aggregate classification (germline): Uncertain significance. Review status: criteria provided, multiple submitters, no conflicts (2 of 4 stars). 2 submissions from 2 submitters: Uncertain significance (2). Last evaluated 2025-02-20.

Conditions:
Hereditary pancreatitis (PCTT). Also called: PRSS1-Related Hereditary Pancreatitis; Hereditary chronic pancreatitis. Identifiers: Orphanet 676, MedGen C0238339, MONDO:0008185, OMIM 167800.

Allele frequency attached by ClinVar (database versions not stated): gnomAD 0.00002 and 0.00003; gnomAD exomes 0.00002 and 0.00005; ExAC 0.00005; ESP Exome Variant Server 0.00008.

Submissions (2):

Ambry Genetics
Classification: Uncertain significance for Hereditary pancreatitis. Last evaluated: 2025-02-20. Review status: criteria provided, single submitter. Criteria: Ambry Variant Classification Scheme 2023. Collection method: clinical testing. Allele origin: germline.
Comment: The p.E99K variant (also known as c.295G>A), located in coding exon 3 of the CPA1 gene, results from a G to A substitution at nucleotide position 295. The glutamic acid at codon 99 is replaced by lysine, an amino acid with similar properties. This alteration was detected once in an individual diagnosed with pancreatic cancer from a study that sequenced pancreatic cancer susceptibility genes in a cohort of individuals with pancreatic cancer and control individuals (Tamura K et al. Proc. Natl. Acad. Sci. U.S.A., 2018 05;115:4767-4772). This amino acid position is not well conserved in available vertebrate species. In addition, this alteration is predicted to be tolerated by in silico analysis. Since supporting evidence is limited at this time, the clinical significance of this alteration remains unclear.

Labcorp Genetics (formerly Invitae), Labcorp
Classification: Uncertain significance. Last evaluated: 2024-05-07. Review status: criteria provided, single submitter. Criteria: Invitae Variant Classification Sherloc (09022015). Collection method: clinical testing. Allele origin: germline.
Comment: This sequence change replaces glutamic acid, which is acidic and polar, with lysine, which is basic and polar, at codon 99 of the CPA1 protein (p.Glu99Lys). This variant is present in population databases (rs142112054, gnomAD 0.02%). This missense change has been observed in individual(s) with pancreatic cancer (PMID: 29669919). ClinVar contains an entry for this variant (Variation ID: 1432006). Advanced modeling of protein sequence and biophysical properties (such as structural, functional, and spatial information, amino acid conservation, physicochemical variation, residue mobility, and thermodynamic stability) performed at Invitae indicates that this missense variant is not expected to disrupt CPA1 protein function with a negative predictive value of 80%. Experimental studies have shown that this missense change does not substantially affect CPA1 function (PMID: 29669919). In summary, the available evidence is currently insufficient to determine the role of this variant in disease. Therefore, it has been classified as a Variant of Uncertain Significance.

Literature cited by the submitters: PubMed 29669919 (cited by Ambry Genetics and Labcorp Genetics (formerly Invitae), Labcorp).